The following is an entry in ClinVar:

ClinVar aggregate classification (germline): Uncertain significance (1 of 4 stars; one submission).

Conditions:
Hereditary cancer-predisposing syndrome. Also called: Neoplastic Syndromes, Hereditary; Tumor predisposition; Hereditary neoplastic syndrome; Hereditary Cancer Syndrome. Identifiers: Orphanet 140162, MedGen C0027672, MeSH D009386, MONDO:0015356.

Submission:

Ambry Genetics
Classification: Uncertain significance for Hereditary cancer-predisposing syndrome. Last evaluated: 2026-07-07. Review status: criteria provided, single submitter. Criteria: Ambry Variant Classification Scheme 2023. Collection method: clinical testing. Allele origin: germline.
Comment: The p.L434M variant (also known as c.1300C>A), located in coding exon 11 of the SUFU gene, results from a C to A substitution at nucleotide position 1300. The leucine at codon 434 is replaced by methionine, an amino acid with highly similar properties. This amino acid position is conserved. In addition, this alteration is predicted to be tolerated by in silico analysis. Based on the available evidence, the clinical significance of this variant remains unclear.

NM_016169.4(SUFU):c.1300C>A (p.Leu434Met)

Gene: SUFU (SUFU negative regulator of hedgehog signaling; plus strand). Cytogenetic location: 10q24.32.
Variant type: single nucleotide variant.
Coding change: c.1300C>A on transcript NM_016169.4 (MANE Select); coding-DNA position 1300, C replaced by A.
Protein change: p.Leu434Met; replaces leucine 434 with methionine.
Molecular consequence: missense variant.
Genome position (GRCh38, 1-based): chr10:102,627,178, C>A. VCF-style: chr10-102627178-C-A. GRCh37 (hg19) VCF-style: chr10-104386935-C-A.
Other names: short protein forms L434M.
Identifiers: ClinVar variation 5030401 (VCV005030401.1).